The following is an entry in ClinVar:

NM_004614.5(TK2):c.536_538+8del

Gene: TK2 (thymidine kinase 2; minus strand). Cytogenetic location: 16q21.
Variant type: Deletion.
Coding change: c.536_538+8del on transcript NM_004614.5 (MANE Select); coding-DNA position 536 through 8 bases into the intron after coding-DNA position 538, 11 bases deleted (TAGGTGAGATG).
Molecular consequence: splice donor variant. On other transcripts: intron variant (1).
Genome position (GRCh38, 1-based): chr16:66,517,781-66,517,791, CATCTCACCTA deleted on the plus strand (TAGGTGAGATG on the coding strand, the reverse complement: TK2 is on the minus strand). VCF-style (leftmost placement, unchanged base first): chr16-66517780-GCATCTCACCTA-G. GRCh37 (hg19) VCF-style: chr16-66551683-GCATCTCACCTA-G.
Other names: c.357-3980_357-3970del (NM_001271935.1); c.443_445+8del (NM_001172643.1); c.461_463+8del (NM_001172644.2); c.482_484+8del (NM_001172645.2); c.389_391+8del (NM_001271934.2); c.245_247+8del (NM_001272050.2).
Identifiers: ClinVar variation 1962979 (VCV001962979.7), dbSNP rs2144356324, ClinGen allele CA2580091776.

ClinVar aggregate classification (germline): Pathogenic/Likely pathogenic. Review status: criteria provided, multiple submitters, no conflicts (2 of 4 stars). 3 submissions from 3 submitters: Pathogenic (1); Likely pathogenic (2). Last evaluated 2025-11-24.

Conditions:
Mitochondrial disease. Also called: Mitochondrial disorder; Mitochondrial disorders. Identifiers: Orphanet 68380, MedGen C0751651, MeSH D028361, MONDO:0044970.
Mitochondrial DNA depletion syndrome, myopathic form (MTDPS2). Also called: MITOCHONDRIAL DNA DEPLETION SYNDROME 2 (MYOPATHIC TYPE); MITOCHONDRIAL DNA DEPLETION MYOPATHY, TK2-RELATED; TK2-Related Mitochondrial DNA Maintenance Defect, Myopathic Form. Identifiers: Orphanet 254875, MedGen C3149750, MONDO:0012301, OMIM 609560.

Submissions (3):

Genomenon, Inc
Classification: Pathogenic for Mitochondrial disease. Last evaluated: 2025-11-24. Review status: criteria provided, single submitter. Criteria: Genomenon Sequence Variant Interpretation Standards - Updated. Collection method: curation. Allele origin: germline. Affected: yes.
Comment: TK2 c.536_538+8del is a deletion variant that affects the splice donor site of intron 7. It is predicted to affect mRNA splicing, leading to a deleterious effect on the TK2 protein. This variant has been observed in multiple probands affected with mitochondrial disease in the compound heterozygous state (40089535). This variant is absent or not present at a significant frequency in gnomAD. In conclusion, we classify TK2 c.536_538+8del as a pathogenic variant.

OLLIN Analises Genomicas, OLLIN
Classification: Likely pathogenic for Mitochondrial DNA depletion syndrome, myopathic form. Last evaluated: 2025-10-03. Review status: criteria provided, single submitter. Criteria: ACMG Guidelines 2015 PMID 25741868. Collection method: clinical testing. Allele origin: germline. Affected: yes. Observed: 1 variant allele.
Comment: The deletion present in the canonical splicing site (chr16:66517780GCATCTCACCTA>G), extending to the splicing site of exon 7 and intron 7 (out of 10 exons), is not reported in the gnomAD v4.1 non-UKB databases and was not found in the scientific literature. However, it is reported in the ClinVar database (VCV001962979.6). It is predicted to disrupt the canonical splice site, resulting in a truncated protein, or in mRNA degradation via NMD or exon skipping. According to currently available evidence, this variant has been classified as likely pathogenic (PVS1_S, PM2_P).

Labcorp Genetics (formerly Invitae), Labcorp
Classification: Likely pathogenic. Last evaluated: 2025-07-22. Review status: criteria provided, single submitter. Criteria: Invitae Variant Classification Sherloc (09022015). Collection method: clinical testing. Allele origin: germline.
Comment: This variant results in the deletion of part of exon 7 (c.536_538+8del) of the TK2 gene. It is expected to disrupt RNA splicing. Variants that disrupt the donor or acceptor splice site typically lead to a loss of protein function (PMID: 16199547), and loss-of-function variants in TK2 are known to be pathogenic (PMID: 20421844). This variant is not present in population databases (gnomAD no frequency). This variant has not been reported in the literature in individuals affected with TK2-related conditions. ClinVar contains an entry for this variant (Variation ID: 1962979). In summary, the currently available evidence indicates that the variant is pathogenic, but additional data are needed to prove that conclusively. Therefore, this variant has been classified as Likely Pathogenic.

Literature cited by the submitters: PubMed 40089535 (cited by Genomenon, Inc); PubMed 16199547 (cited by Labcorp Genetics (formerly Invitae), Labcorp); PubMed 20421844 (cited by Labcorp Genetics (formerly Invitae), Labcorp).